The following is an entry in ClinVar:

NM_012290.5(TLK1):c.1435C>G (p.Gln479Glu)

Gene: TLK1 (tousled like kinase 1; minus strand). Cytogenetic location: 2q31.1.
Variant type: single nucleotide variant.
Coding change: c.1435C>G on transcript NM_012290.5 (MANE Select); coding-DNA position 1435, C replaced by G.
Protein change: p.Gln479Glu; replaces glutamine 479 with glutamic acid.
Molecular consequence: missense variant.
Genome position (GRCh38, 1-based): chr2:171,007,045, G>C on the plus strand (C>G on the coding strand, the complement: TLK1 is on the minus strand). VCF-style: chr2-171007045-G-C. GRCh37 (hg19) VCF-style: chr2-171863555-G-C.
Other names: NM_001136555.2:c.1147C>G; c.1291C>G, p.Gln431Glu (NM_001136554.2); c.1147C>G, p.Gln383Glu (NM_001136555.2); short protein forms Q383E, Q431E, Q479E.
Identifiers: ClinVar variation 2578020 (VCV002578020.3), dbSNP rs1684682666, ClinGen allele CA349272379.

ClinVar aggregate classification (germline): Uncertain significance. Review status: criteria provided, multiple submitters, no conflicts (2 of 4 stars). 3 submissions from 2 submitters: Uncertain significance (3). Last evaluated 2026-03-05.

Conditions:
Neurodevelopmental disorder. Identifiers: MedGen C1535926, MeSH D065886, MONDO:0700092.

Submissions (3):

Broad Center for Mendelian Genomics, Broad Institute of MIT and Harvard
Classification: Uncertain significance for Neurodevelopmental disorder. Last evaluated: 2026-03-05. Review status: criteria provided, single submitter. Criteria: ACMG Guidelines, 2015. Collection method: research. Allele origin: germline. Inheritance: Autosomal dominant inheritance. Study: GREGoR Consortium.
Comment: The heterozygous p.Gln479Glu variant in TLK1 was identified in one individual with microcephaly, intellectual disability, seizures, global developmental delay, cerebral calcifications, feeding difficulties, growth hormone deficiency, hypothyroidism, urticaria, mild retinal dystrophy, and primary immunodeficiency (DOI: 10.1101/2023.08.22.23294267). Trio genome analysis through the Rare Genomes Project showed this variant to be de novo. The variant was absent from large population studies. In vitro functional studies provide some evidence that the p.Gln479Glu variant may impact protein function (DOI: 10.1101/2023.08.22.23294267). However, these types of assays may not accurately represent biological function. Computational prediction tools and conservation analyses do not provide strong support for or against an impact to the protein. Furthermore, although this gene has been reported in association with neurodevelopmental disorders, it currently has limited evidence for these associations. In summary, the clinical significance of the p.Gln479Glu variant is uncertain. It was absent from large population studies. This variant was also confirmed to be de novo by trio whole genome sequencing. Computational prediction tools and conservation analyses do not provide strong support for or against an impact to the protein. In vitro functional studies provide some evidence that this variant impacts protein function (Villamor-Payà 2023 DOI: 10.1101/2023.08.22.23294267); however, these types of assays may not accurately represent biological function. Furthermore, although this gene has been reported in association with neurodevelopmental disorder, it currently has limited evidence for these associations. In summary, the clinical significance of this variant is uncertain.

Laboratory for Molecular Medicine, Mass General Brigham Personalized Medicine
Classification: Uncertain significance. Last evaluated: 2023-09-12. Review status: criteria provided, single submitter. Criteria: ACMG Guidelines, 2015. Collection method: clinical testing. Allele origin: germline.
Comment: It was absent from large population studies. Computational prediction tools and conservation analyses do not provide strong support for or against an impact to the protein. In vitro functional studies provide some evidence that this variant impacts protein function (Villamor-Payà 2023 DOI: 10.1101/2023.08.22.23294267); however, these types of assays may not accurately represent biological function. Furthermore, although this gene has been reported in association with a neurodevelopmental disorder, it currently has limited evidence for this association. In summary, the clinical significance of this variant is uncertain.

Broad Center for Mendelian Genomics, Broad Institute of MIT and Harvard
Classification: Uncertain significance for Neurodevelopmental disorder. Last evaluated: 2023-08-30. Review status: criteria provided, single submitter. Criteria: ACMG Guidelines, 2015. Collection method: clinical testing. Allele origin: de novo. Affected: yes.
Comment: The heterozygous p.Gln479Glu variant in TLK1 was identified in one individual with microcephaly, intellectual disability, seizures, global developmental delay, cerebral calcifications, feeding difficulties, growth hormone deficiency, hypothyroidism, urticaria, mild retinal dystrophy, and primary immunodeficiency (DOI: 10.1101/2023.08.22.23294267). Trio genome analysis through the Rare Genomes Project showed this variant to be de novo. The variant was absent from large population studies. In vitro functional studies provide some evidence that the p.Gln479Glu variant may impact protein function (DOI: 10.1101/2023.08.22.23294267). However, these types of assays may not accurately represent biological function. Computational prediction tools and conservation analyses do not provide strong support for or against an impact to the protein. Furthermore, although this gene has been reported in association with neurodevelopmental disorders, it currently has limited evidence for these associations. In summary, the clinical significance of the p.Gln479Glu variant is uncertain.

Literature cited by the submitters: DOI 10.1101/2023.08.22.23294267 (cited by Broad Center for Mendelian Genomics, Broad Institute of MIT and Harvard).